The following is an entry in ClinVar:

ClinVar aggregate classification (germline): Uncertain significance (1 of 4 stars; one submission).

Conditions:
Aicardi-Goutieres syndrome 5. Identifiers: Orphanet 51, MedGen C2749659, MONDO:0013059, OMIM 612952.

Allele frequency attached by ClinVar (database versions not stated): gnomAD exomes below 0.00001.
gnomAD v4.1: 3 of 1,613,590 alleles (0.00019%); highest among the groups gnomAD compares: African/African-American, 0.0013%; no homozygotes.

Submission:

Labcorp Genetics (formerly Invitae), Labcorp
Classification: Uncertain significance for Aicardi-Goutieres syndrome 5. Last evaluated: 2022-07-12. Review status: criteria provided, single submitter. Criteria: Invitae Variant Classification Sherloc (09022015). Collection method: clinical testing. Allele origin: germline.
Comment: This sequence change replaces glycine, which is neutral and non-polar, with glutamic acid, which is acidic and polar, at codon 274 of the SAMHD1 protein (p.Gly274Glu). This variant is not present in population databases (gnomAD no frequency). This variant has not been reported in the literature in individuals affected with SAMHD1-related conditions. ClinVar contains an entry for this variant (Variation ID: 936218). Algorithms developed to predict the effect of missense changes on protein structure and function (SIFT, PolyPhen-2, Align-GVGD) all suggest that this variant is likely to be disruptive. In summary, the available evidence is currently insufficient to determine the role of this variant in disease. Therefore, it has been classified as a Variant of Uncertain Significance.

NM_015474.4(SAMHD1):c.821G>A (p.Gly274Glu)

Gene: SAMHD1 (SAM and HD domain containing deoxynucleoside triphosphate triphosphohydrolase 1; minus strand). Cytogenetic location: 20q11.23.
Variant type: single nucleotide variant.
Coding change: c.821G>A on transcript NM_015474.4 (MANE Select); coding-DNA position 821, G replaced by A.
Protein change: p.Gly274Glu; replaces glycine 274 with glutamic acid.
Molecular consequence: missense variant.
Genome position (GRCh38, 1-based): chr20:36,919,395, C>T on the plus strand (G>A on the coding strand, the complement: SAMHD1 is on the minus strand). VCF-style: chr20-36919395-C-T. GRCh37 (hg19) VCF-style: chr20-35547798-C-T.
Other names: c.821G>A, p.Gly274Glu (NM_001363729.2, NM_001363733.2); short protein forms G274E.
Identifiers: ClinVar variation 936218 (VCV000936218.7), dbSNP rs2063492690, ClinGen allele CA408846173.
Genomic context (GRCh38, chr20:36,919,395, plus strand): 5'-AGTTAAAATTAAGCTGTACATAAACTTACCAATGAATCTTCGACAGGTGATTCAAGTGGT[C>T]CTACAATTTGTTCCTTTATAAAGCAAATATCTTCTTCAGGGATGAGACCATATTGTTCCA-3'
Protein context (NP_056289.2, residues 264-284): DICFIKEQIV[Gly274Glu]PLESPVEDSL